The following is an entry in ClinVar:

NM_025132.4(WDR19):c.389G>A (p.Arg130Gln)

Gene: WDR19 (WD repeat domain 19; plus strand). Cytogenetic location: 4p14.
Variant type: single nucleotide variant.
Coding change: c.389G>A on transcript NM_025132.4 (MANE Select); coding-DNA position 389, G replaced by A.
Protein change: p.Arg130Gln; replaces arginine 130 with glutamine.
Molecular consequence: missense variant. On other transcripts: intron variant (1).
Genome position (GRCh38, 1-based): chr4:39,194,642, G>A. VCF-style: chr4-39194642-G-A. GRCh37 (hg19) VCF-style: chr4-39196262-G-A.
Other names: c.-74-4836G>A (NM_001317924.2); c.389G>A (NM_025132.3); short protein forms R130Q.
Identifiers: ClinVar variation 624013 (VCV000624013.48), dbSNP rs747065633, ClinGen allele CA2891608.

ClinVar aggregate classification (germline): Uncertain significance. Review status: criteria provided, multiple submitters, no conflicts (2 of 4 stars). 5 submissions from 5 submitters: Uncertain significance (3). 2 of the submissions do not count toward it. Last evaluated 2024-05-17.

Conditions:
WDR19-related disorder. Also called: WDR19-related disorders; WDR19-related condition. Identifiers: MedGen CN380161.
Nephronophthisis 13 (NPHP13). Identifiers: Orphanet 655, MedGen C3280612, MONDO:0013718, OMIM 614377.
Asphyxiating thoracic dystrophy 5 (SRTD5). Also called: SHORT-RIB THORACIC DYSPLASIA 5 WITH OR WITHOUT POLYDACTYLY; SHORT-RIB THORACIC DYSPLASIA 5 WITHOUT POLYDACTYLY. Identifiers: Orphanet 474, MedGen C3280598, MONDO:0013717, OMIM 614376.
Cranioectodermal dysplasia 4 (CED4). Identifiers: Orphanet 1515, MedGen C3280616, MONDO:0013719, OMIM 614378.
Senior-Loken syndrome 8 (SLSN8). Identifiers: Orphanet 3156, MedGen C4225376, MONDO:0014579, OMIM 616307.
Spermatogenic failure 72 (SPGF72). Identifiers: MedGen C5676980, MONDO:0030809, OMIM 619867.

Allele frequency attached by ClinVar (database versions not stated): ExAC 0.00001; gnomAD 0.00001; gnomAD exomes 0.00001 and 0.00002; TOPMed 0.00004.
gnomAD v4.1: 31 of 1,609,992 alleles (0.0019%); highest among the groups gnomAD compares: South Asian, 0.0077%; no homozygotes.

Submissions (5):

Fulgent Genetics
Classification: Uncertain significance for Asphyxiating thoracic dystrophy 5; Nephronophthisis 13; Cranioectodermal dysplasia 4; Senior-Loken syndrome 8; Spermatogenic failure 72. Last evaluated: 2024-05-17. Review status: criteria provided, single submitter. Criteria: ACMG Guidelines, 2015. Collection method: clinical testing. Allele origin: germline.

Blueprint Genetics
Classification: Uncertain significance. Last evaluated: 2023-10-27. Review status: criteria provided, single submitter. Criteria: ACMG Guidelines, 2015. Collection method: clinical testing. Allele origin: germline.

CeGaT Center for Human Genetics Tuebingen
Classification: Uncertain significance. Last evaluated: 2018-07-01. Review status: criteria provided, single submitter. Criteria: CeGaT Center For Human Genetics Tuebingen Variant Classification Criteria Version 2. Collection method: clinical testing. Allele origin: germline. Affected: yes. Observed: 1 variant allele.

PreventionGenetics, part of Exact Sciences
Classification: Uncertain significance for WDR19-related condition. Last evaluated: 2024-07-15. Review status: no assertion criteria provided. Collection method: clinical testing. Allele origin: germline. Not counted in ClinVar's aggregate classification.
Comment: The WDR19 c.389G>A variant is predicted to result in the amino acid substitution p.Arg130Gln. To our knowledge, this variant has not been reported in the literature. This variant is reported in 0.0042% of alleles in individuals of African descent in gnomAD. At this time, the clinical significance of this variant is uncertain due to the absence of conclusive functional and genetic evidence.

Genetic Services Laboratory, University of Chicago
Classification: Uncertain significance. Last evaluated: 2022-08-29. Review status: no assertion criteria provided. Collection method: clinical testing. Allele origin: germline. Affected: no. Not counted in ClinVar's aggregate classification.
Comment: DNA sequence analysis of the WDR19 gene demonstrated a sequence change, c.389G>A, in exon 5 that results in an amino acid change, p.Arg130Gln. This sequence change has been described in the gnomAD database in five individuals which corresponds to an overall population frequency of 0.0018% (dbSNP rs747065633). The p.Arg130Gln change affects a moderately conserved amino acid residue located in a domain of the WDR19 protein that is known to be functional. In-silico pathogenicity prediction tools (SIFT, PolyPhen2, Align GVGD, REVEL) provide contradictory results for the p.Arg130Gln substitution. This sequence change does not appear to have been previously described in individuals with WDR19-related disorders. Due to insufficient evidences and the lack of functional studies, the clinical significance of the p.Arg130Gln change remains unknown at this time.